The following is an entry in ClinVar:

NM_001164665.2(KIAA1549):c.4852C>T (p.Arg1618Trp)

Gene: KIAA1549 (KIAA1549; minus strand). Cytogenetic location: 7q34.
Variant type: single nucleotide variant.
Coding change: c.4852C>T on transcript NM_001164665.2 (MANE Select); coding-DNA position 4852, C replaced by T.
Protein change: p.Arg1618Trp; replaces arginine 1618 with tryptophan.
Molecular consequence: missense variant.
Genome position (GRCh38, 1-based): chr7:138,868,052, G>A on the plus strand (C>T on the coding strand, the complement: KIAA1549 is on the minus strand). VCF-style: chr7-138868052-G-A. GRCh37 (hg19) VCF-style: chr7-138552798-G-A.
Other names: c.4852C>T, p.Arg1618Trp (NM_020910.3); short protein forms R1618W.
Identifiers: ClinVar variation 1405621 (VCV001405621.8), dbSNP rs769771844, ClinGen allele CA4505734.

ClinVar aggregate classification (germline): Uncertain significance (1 of 4 stars; one submission).

Allele frequency attached by ClinVar (database versions not stated): gnomAD 0.00002; gnomAD exomes 0.00002; TOPMed 0.00002; ExAC 0.00003.
gnomAD v4.1: 26 of 1,613,742 alleles (0.0016%); highest among the groups gnomAD compares: African/African-American, 0.0027%; no homozygotes.

Submission:

Labcorp Genetics (formerly Invitae), Labcorp
Classification: Uncertain significance. Last evaluated: 2021-04-25. Review status: criteria provided, single submitter. Criteria: Invitae Variant Classification Sherloc (09022015). Collection method: clinical testing. Allele origin: germline.
Comment: In summary, the available evidence is currently insufficient to determine the role of this variant in disease. Therefore, it has been classified as a Variant of Uncertain Significance. Algorithms developed to predict the effect of missense changes on protein structure and function (SIFT, PolyPhen-2, Align-GVGD) all suggest that this variant is likely to be disruptive, but these predictions have not been confirmed by published functional studies and their clinical significance is uncertain. This variant has not been reported in the literature in individuals with KIAA1549-related conditions. This variant is present in population databases (rs769771844, ExAC 0.005%). This sequence change replaces arginine with tryptophan at codon 1618 of the KIAA1549 protein (p.Arg1618Trp). The arginine residue is highly conserved and there is a moderate physicochemical difference between arginine and tryptophan.